The following is an entry in ClinVar:

NM_020631.6(PLEKHG5):c.2999C>T (p.Thr1000Met)

Gene: PLEKHG5 (pleckstrin homology and RhoGEF domain containing G5; minus strand). Cytogenetic location: 1p36.31.
Variant type: single nucleotide variant.
Coding change: c.2999C>T on transcript NM_020631.6 (MANE Select); coding-DNA position 2999, C replaced by T.
Protein change: p.Thr1000Met; replaces threonine 1000 with methionine.
Molecular consequence: missense variant.
Genome position (GRCh38, 1-based): chr1:6,467,837, G>A on the plus strand (C>T on the coding strand, the complement: PLEKHG5 is on the minus strand). VCF-style: chr1-6467837-G-A. GRCh37 (hg19) VCF-style: chr1-6527897-G-A.
Other names: c.3110C>T, p.Thr1037Met (NM_001042663.3, NM_001265592.2); c.2999C>T, p.Thr1000Met (NM_001042664.2, NM_001042665.2, NM_198681.4); c.3206C>T, p.Thr1069Met (NM_001265593.2); c.*6C>T (NM_001265594.3); short protein forms T1069M, T1000M, T1037M.
Identifiers: ClinVar variation 652244 (VCV000652244.9), dbSNP rs781065380, ClinGen allele CA561052.

ClinVar aggregate classification (germline): Uncertain significance. Review status: criteria provided, multiple submitters, no conflicts (2 of 4 stars). 2 submissions from 2 submitters: Uncertain significance (2). Last evaluated 2021-09-02.

Conditions:
Neuronopathy, distal hereditary motor, autosomal recessive 4. Also called: NEUROPATHY, DISTAL HEREDITARY MOTOR, AUTOSOMAL RECESSIVE 4; Autosomal recessive lower motor neuron disease with childhood onset. Identifiers: Orphanet 206580, MedGen C1970211, MONDO:0012608, OMIM 611067.
Charcot-Marie-Tooth disease recessive intermediate C. Also called: CHARCOT-MARIE-TOOTH NEUROPATHY, RECESSIVE INTERMEDIATE C. Identifiers: Orphanet 369867, MedGen C3809309, MONDO:0014154, OMIM 615376.

Allele frequency attached by ClinVar (database versions not stated): ExAC 0.00001; gnomAD 0.00001; TOPMed 0.00002.
gnomAD v4.1: 22 of 1,613,124 alleles (0.0014%); highest among the groups gnomAD compares: East Asian, 0.0022%; no homozygotes.

Submissions (2):

Labcorp Genetics (formerly Invitae), Labcorp
Classification: Uncertain significance for Neuronopathy, distal hereditary motor, autosomal recessive 4; Charcot-Marie-Tooth disease recessive intermediate C. Last evaluated: 2021-09-02. Review status: criteria provided, single submitter. Criteria: Invitae Variant Classification Sherloc (09022015). Collection method: clinical testing. Allele origin: germline.
Comment: This sequence change replaces threonine with methionine at codon 1000 of the PLEKHG5 protein (p.Thr1000Met). The threonine residue is moderately conserved and there is a moderate physicochemical difference between threonine and methionine. This variant is present in population databases (rs781065380, ExAC 0.009%). This variant has not been reported in the literature in individuals affected with PLEKHG5-related conditions. Algorithms developed to predict the effect of missense changes on protein structure and function are either unavailable or do not agree on the potential impact of this missense change (SIFT: "Tolerated"; PolyPhen-2: "Probably Damaging"; Align-GVGD: "Class C0"). In summary, the available evidence is currently insufficient to determine the role of this variant in disease. Therefore, it has been classified as a Variant of Uncertain Significance.

Illumina Laboratory Services, Illumina
Classification: Uncertain significance for Neuronopathy, distal hereditary motor, autosomal recessive 4. Last evaluated: 2017-04-27. Review status: criteria provided, single submitter. Criteria: ICSL Variant Classification Criteria 13 December 2019. Collection method: clinical testing. Allele origin: germline.